The following is an entry in ClinVar:

ClinVar aggregate classification (germline): Benign/Likely benign. Review status: criteria provided, multiple submitters, no conflicts (2 of 4 stars). 8 submissions from 7 submitters: Benign (2); Likely benign (6). Last evaluated 2026-01-19.

Conditions:
Cardiovascular phenotype. Identifiers: MedGen CN230736.
RASopathy. Also called: rasopathies; Noonan spectrum disorder. Identifiers: Orphanet 536391, MedGen C5555857, MONDO:0021060.
Fibromatosis, gingival, 1 (GINGF1). Identifiers: Orphanet 2024, MedGen C4551558, MONDO:0007609, OMIM 135300.
Noonan syndrome 4 (NS4). Also called: SOS1-Related Noonan Syndrome; NOONAN SYNDROME WITH PIGMENTED VILLONODULAR SYNOVITIS. Identifiers: Orphanet 648, MedGen C1853120, MONDO:0012547, OMIM 610733.

Allele frequency attached by ClinVar (database versions not stated): gnomAD exomes 0.00005 and 0.00010; ExAC 0.00006; gnomAD 0.00006 and 0.00007; TOPMed 0.00006.
gnomAD v4.1: 88 of 1,611,390 alleles (0.0055%); highest among the groups gnomAD compares: Middle Eastern, 0.033%; 1 homozygote.

Submissions (8):

Labcorp Genetics (formerly Invitae), Labcorp
Classification: Likely benign for RASopathy. Last evaluated: 2026-01-19. Review status: criteria provided, single submitter. Criteria: Invitae Variant Classification Sherloc (09022015). Collection method: clinical testing. Allele origin: germline.

Blueprint Genetics
Classification: Likely benign. Last evaluated: 2024-09-20. Review status: criteria provided, single submitter. Criteria: ACMG Guidelines, 2015. Collection method: clinical testing. Allele origin: germline.

Women's Health and Genetics/Laboratory Corporation of America, LabCorp
Classification: Benign. Last evaluated: 2020-05-16. Review status: criteria provided, single submitter. Criteria: LabCorp Variant Classification Summary - May 2015. Collection method: clinical testing. Allele origin: germline.

Ambry Genetics
Classification: Likely benign for Cardiovascular phenotype. Last evaluated: 2020-01-06. Review status: criteria provided, single submitter. Criteria: Ambry Variant Classification Scheme 2023. Collection method: clinical testing. Allele origin: germline.

GeneDx
Classification: Benign. Last evaluated: 2015-03-03. Review status: criteria provided, single submitter. Criteria: GeneDx Variant Classification Process June 2021. Collection method: clinical testing. Allele origin: germline. Affected: yes.

Laboratory for Molecular Medicine, Mass General Brigham Personalized Medicine
Classification: Likely benign. Last evaluated: 2014-07-11. Review status: criteria provided, single submitter. Criteria: LMM Criteria. Collection method: clinical testing. Allele origin: germline. Observed: 1 variant allele.
Comment: Tyr618Tyr in exon 10 of SOS1: This variant is not expected to have clinical sign ificance because it does not alter an amino acid residue and is not located with in the splice consensus sequence.

Genome-Nilou Lab
Classification: Likely benign for Noonan syndrome 4. Review status: criteria provided, single submitter. Criteria: ACMG Guidelines, 2015. Collection method: clinical testing. Allele origin: germline.

Genome-Nilou Lab
Classification: Likely benign for Fibromatosis, gingival, 1. Review status: criteria provided, single submitter. Criteria: ACMG Guidelines, 2015. Collection method: clinical testing. Allele origin: germline.

NM_005633.4(SOS1):c.1854C>T (p.Tyr618=)

Gene: SOS1 (SOS Ras/Rac guanine nucleotide exchange factor 1; minus strand). Cytogenetic location: 2p22.1.
Variant type: single nucleotide variant.
Coding change: c.1854C>T on transcript NM_005633.4 (MANE Select); coding-DNA position 1854, C replaced by T.
Protein change: p.Tyr618=; no amino-acid change (tyrosine 618 retained).
Molecular consequence: synonymous variant.
Genome position (GRCh38, 1-based): chr2:39,022,574, G>A on the plus strand (C>T on the coding strand, the complement: SOS1 is on the minus strand). VCF-style: chr2-39022574-G-A. GRCh37 (hg19) VCF-style: chr2-39249715-G-A.
Other names: c.1833C>T, p.Tyr611= (NM_001382394.1); c.1854C>T, p.Tyr618= (NM_001382395.1).
Identifiers: ClinVar variation 179869 (VCV000179869.24), dbSNP rs727505181, ClinGen allele CA185309.
Genomic context (GRCh38, chr2:39,022,574, plus strand): 5'-AGAAAATCAGTTTGAAGCAGGAAAACAAAAGTGACAGGCAACTGCATAATTCTTACCTGC[G>A]TACATATGGTACGTAAGCCTCTCTATAAGTTTAATAACAGTTCCTGCTTTGATAATTGGA-3'
Protein context (NP_005624.2, residues 608-628): KLIERLTYHM[Tyr618=]ADPNFVRTFL